The following is an entry in ClinVar:

NM_030928.4(CDT1):c.1279C>T (p.Arg427Ter)

Gene: CDT1 (chromatin licensing and DNA replication factor 1; plus strand). Cytogenetic location: 16q24.3.
Variant type: single nucleotide variant.
Coding change: c.1279C>T on transcript NM_030928.4 (MANE Select); coding-DNA position 1279, C replaced by T.
Protein change: p.Arg427Ter; replaces arginine 427 with a stop codon.
Molecular consequence: nonsense.
Genome position (GRCh38, 1-based): chr16:88,807,284, C>T. VCF-style: chr16-88807284-C-T. GRCh37 (hg19) VCF-style: chr16-88873692-C-T.
Other names: short protein forms R427*.
Identifiers: ClinVar variation 2910406 (VCV002910406.3), dbSNP rs749671711, ClinGen allele CA8234106.

ClinVar aggregate classification (germline): Pathogenic (1 of 4 stars; one submission).

Allele frequency attached by ClinVar (database versions not stated): ExAC 0.00003; TOPMed 0.00003; gnomAD 0.00006.

Submission:

Labcorp Genetics (formerly Invitae), Labcorp
Classification: Pathogenic. Last evaluated: 2024-01-26. Review status: criteria provided, single submitter. Criteria: Invitae Variant Classification Sherloc (09022015). Collection method: clinical testing. Allele origin: germline.
Comment: This sequence change creates a premature translational stop signal (p.Arg427*) in the CDT1 gene. It is expected to result in an absent or disrupted protein product. Loss-of-function variants in CDT1 are known to be pathogenic (PMID: 21358632, 22333897). This variant is present in population databases (rs749671711, gnomAD 0.008%). This premature translational stop signal has been observed in individual(s) with developmental disorder (PMID: 25533962). For these reasons, this variant has been classified as Pathogenic.

Literature cited by the submitters: PubMed 21358632; PubMed 22333897; PubMed 25533962.